The following is an entry in ClinVar:

ClinVar aggregate classification (germline): Uncertain significance (1 of 4 stars; one submission).

Conditions:
Cardiovascular phenotype. Identifiers: MedGen CN230736.

Submission:

Ambry Genetics
Classification: Uncertain significance for Cardiovascular phenotype. Last evaluated: 2026-05-28. Review status: criteria provided, single submitter. Criteria: Ambry Variant Classification Scheme 2023. Collection method: clinical testing. Allele origin: germline.
Comment: The p.E206A variant (also known as c.617A>C), located in coding exon 5 of the SOS2 gene, results from an A to C substitution at nucleotide position 617. The glutamic acid at codon 206 is replaced by alanine, an amino acid with dissimilar properties. This amino acid position is conserved. In addition, the in silico prediction for this alteration is inconclusive. Based on the available evidence, the clinical significance of this variant remains unclear.

NM_006939.4(SOS2):c.617A>C (p.Glu206Ala)

Gene: SOS2 (SOS Ras/Rho guanine nucleotide exchange factor 2; minus strand). Cytogenetic location: 14q21.3.
Variant type: single nucleotide variant.
Coding change: c.617A>C on transcript NM_006939.4 (MANE Select); coding-DNA position 617, A replaced by C.
Protein change: p.Glu206Ala; replaces glutamic acid 206 with alanine.
Molecular consequence: missense variant.
Genome position (GRCh38, 1-based): chr14:50,188,594, T>G on the plus strand (A>C on the coding strand, the complement: SOS2 is on the minus strand). VCF-style: chr14-50188594-T-G. GRCh37 (hg19) VCF-style: chr14-50655312-T-G.
Other names: c.617A>C, p.Glu206Ala (NM_001411020.1); short protein forms E206A.
Identifiers: ClinVar variation 4864949 (VCV004864949.1).